The following is an entry in ClinVar:

NM_000260.4(MYO7A):c.1174C>T (p.Leu392=)

Gene: MYO7A (myosin VIIA; plus strand). Cytogenetic location: 11q13.5.
Variant type: single nucleotide variant.
Coding change: c.1174C>T on transcript NM_000260.4 (MANE Select); coding-DNA position 1174, C replaced by T.
Protein change: p.Leu392=; no amino-acid change (leucine 392 retained).
Molecular consequence: synonymous variant.
Genome position (GRCh38, 1-based): chr11:77,160,256, C>T. VCF-style: chr11-77160256-C-T. GRCh37 (hg19) VCF-style: chr11-76871302-C-T.
Other names: c.1174C>T, p.Leu392= (NM_001127180.2); c.1141C>T, p.Leu381= (NM_001369365.1); c.1174C>T (NM_000260.3).
Identifiers: ClinVar variation 1588648 (VCV001588648.10), dbSNP rs1952868158, ClinGen allele CA475793279.

ClinVar aggregate classification (germline): Likely benign. Review status: criteria provided, multiple submitters, no conflicts (2 of 4 stars). 3 submissions from 3 submitters: Likely benign (3). Last evaluated 2025-11-11.

Conditions:
MYO7A-related disorder. Also called: MYO7A-related disorders.

Submissions (3):

PreventionGenetics, part of Exact Sciences
Classification: Likely benign for MYO7A-related condition. Last evaluated: 2025-11-11. Review status: criteria provided, single submitter. Criteria: ACMG Guidelines, 2015. Collection method: clinical testing. Allele origin: germline.
Comment: This variant is classified as likely benign based on ACMG/AMP sequence variant interpretation guidelines (Richards et al. 2015 PMID: 25741868, with internal and published modifications).

Labcorp Genetics (formerly Invitae), Labcorp
Classification: Likely benign. Last evaluated: 2023-06-27. Review status: criteria provided, single submitter. Criteria: Invitae Variant Classification Sherloc (09022015). Collection method: clinical testing. Allele origin: germline.

Blueprint Genetics
Classification: Likely benign. Last evaluated: 2022-08-21. Review status: criteria provided, single submitter. Criteria: ACMG Guidelines, 2015. Collection method: clinical testing. Allele origin: germline.